The following is an entry in ClinVar:

NM_000540.3(RYR1):c.7373G>T (p.Arg2458Leu)

Gene: RYR1 (ryanodine receptor 1; plus strand). Cytogenetic location: 19q13.2.
Variant type: single nucleotide variant.
Coding change: c.7373G>T on transcript NM_000540.3 (MANE Select); coding-DNA position 7373, G replaced by T.
Protein change: p.Arg2458Leu; replaces arginine 2458 with leucine.
Molecular consequence: missense variant.
Genome position (GRCh38, 1-based): chr19:38,500,655, G>T. VCF-style: chr19-38500655-G-T. GRCh37 (hg19) VCF-style: chr19-38991295-G-T.
Other names: NM_000540.2(RYR1):c.7373G>T; p.Arg2458Leu; c.7373G>T, p.Arg2458Leu (NM_001042723.2); short protein forms R2458L.
Identifiers: ClinVar variation 590585 (VCV000590585.6), dbSNP rs121918594, ClinGen allele CA405670033.

ClinVar aggregate classification (germline): Likely pathogenic. Review status: reviewed by expert panel (3 of 4 stars). 2 submissions from 2 submitters: Likely pathogenic (1). 1 of the submissions does not count toward it. Last evaluated 2025-08-01.

Conditions:
Malignant hyperthermia, susceptibility to, 1 (MHS1). Also called: Anesthesia related hyperthermia; Malignant hyperpyrexia; Fulminating hyperpyrexia; Pharmacogenic myopathy; RYR1-Related Malignant Hyperthermia Susceptibility; Malignant hyperthermia suceptibility 1. Identifiers: Orphanet 423, MedGen C2930980, MONDO:0007783, OMIM 145600.

gnomAD v4.1: 1 of 1,613,910 alleles (0.000062%); highest among the groups gnomAD compares: Non-Finnish European, 0.000085%; no homozygotes.

Submissions (2):

ClinGen Malignant Hyperthermia Susceptibility Variant Curation Expert Panel, ClinGen
Classification: Likely pathogenic for Malignant hyperthermia, susceptibility to, 1. Last evaluated: 2025-08-01. Review status: reviewed by expert panel. Criteria: RYR1-MHS Interpretation Guidelines V2. Collection method: curation. Allele origin: germline. Inheritance: Autosomal dominant inheritance. Study: ClinGen.
Comment: This pathogenicity assessment is relevant only for malignant hyperthermia susceptibility (MHS) inherited in an autosomal dominant pattern. Variants in RYR1 can also cause other myopathies inherited in an autosomal dominant pattern or in an autosomal recessive pattern. Some of these disorders may predispose individuals to malignant hyperthermia. RYR1 variants may also contribute to a malignant hyperthermia reaction in combination with other genetic and non-genetic factors and the clinician needs to consider such factors in making management decisions. This sequence variant predicts a substitution of arginine with leucine at codon 2458 of the RYR1 protein, p.(Arg2458Leu). This variant was not present in a large population database (gnomAD) at the time this variant was interpreted. This variant has been reported in two unrelated individuals who have a personal or family history of a malignant hyperthermia reaction, two of these individuals had a positive in vitro contracture test (IVCT) or caffeine halothane contracture test (CHCT) result (if the proband was unavailable for testing, a positive diagnostic test result in a mutation-positive relative was counted), PS4_Moderate (PMID:21965348, PMID:30236257). No functional studies were identified for this variant. This variant resides in a region of RYR1 considered to be a hotspot for pathogenic variants that contribute to MHS, use PM1_Supporting to avoid overweighting with PM5 (PMID: 21118704). Another variant that has been assessed as pathogenic occurs at this codon, p.(Arg2458His), PM5. A REVEL score >0.85 (0.968) supports a pathogenic status for this variant, PP3_Moderate. This variant has been classified as Likely Pathogenic. Criteria implemented: PS4_Moderate, PM1_Supporting, PM5, PP3_Moderate.

PreventionGenetics, part of Exact Sciences
Classification: Likely pathogenic. Last evaluated: 2016-08-25. Review status: criteria provided, single submitter. Criteria: ACMG Guidelines, 2015. Collection method: clinical testing. Allele origin: germline. Not counted in ClinVar's aggregate classification.